The following is an entry in ClinVar:

NM_004425.4(ECM1):c.806G>A (p.Cys269Tyr)

Gene: ECM1 (extracellular matrix protein 1; plus strand). Cytogenetic location: 1q21.2.
Variant type: single nucleotide variant.
Coding change: c.806G>A on transcript NM_004425.4 (MANE Select); coding-DNA position 806, G replaced by A.
Protein change: p.Cys269Tyr; replaces cysteine 269 with tyrosine.
Molecular consequence: missense variant. On other transcripts: intron variant (1).
Genome position (GRCh38, 1-based): chr1:150,511,554, G>A. VCF-style: chr1-150511554-G-A. GRCh37 (hg19) VCF-style: chr1-150484030-G-A.
Other names: c.887G>A, p.Cys296Tyr (NM_001202858.2); c.708+356G>A (NM_022664.3); short protein forms C269Y, C296Y.
Identifiers: ClinVar variation 1192520 (VCV001192520.4), dbSNP rs756977475, ClinGen allele CA1077557.

ClinVar aggregate classification (germline): Pathogenic/Likely pathogenic. Review status: criteria provided, multiple submitters, no conflicts (2 of 4 stars). 3 submissions from 3 submitters: Pathogenic (1); Likely pathogenic (1). 1 of the submissions does not count toward it. Last evaluated 2024-03-25.

Conditions:
Lipid proteinosis. Also called: HYALINOSIS CUTIS ET MUCOSAE; Lipoid Proteinosis of Urbach and Wiethe; Urbach Wiethe disease; lipoid proteinosis. Identifiers: Orphanet 530, MedGen C0023795, MONDO:0009530, OMIM 247100.

Allele frequency attached by ClinVar (database versions not stated): gnomAD exomes below 0.00001; ExAC 0.00001.

Submissions (3):

Medical Genetics Laboratory, Etlik City Hospital
Classification: Likely pathogenic for Lipid proteinosis. Last evaluated: 2024-03-25. Review status: criteria provided, single submitter. Criteria: ACMG Guidelines, 2015. Collection method: clinical testing. Allele origin: biparental. Inheritance: Autosomal recessive inheritance. Affected: yes. Observed: 1 homozygote.
Comment: This variant had previously been listed as 'pathogenic' in the ClinVar database (ClinVar ID: 1192520). The frequency of the variant in gnomAD is extremely low (<0.001%). Additionally, computational prediction tools unanimously supported a deleterious effect on the gene (Franklin Genoox aggregated score:0.87). Finally, this variant was classified as 'likely pathogenic' according to the ACMG criteria (PM1, PM2, PP3, PP4, PP5)

Pars Genome Lab
Classification: Pathogenic for Lipid proteinosis. Last evaluated: 2021-08-09. Review status: criteria provided, single submitter. Criteria: ACMG Guidelines, 2015. Collection method: clinical testing. Allele origin: germline. Inheritance: Autosomal recessive inheritance. Affected: yes.
Comment: We found this variant in two brothers with lipoid proteinosis.

Istanbul Faculty of Medicine, Istanbul University
Classification: Pathogenic for Lipid proteinosis. Last evaluated: 2015-08-21. Review status: no assertion criteria provided. Collection method: clinical testing. Allele origin: germline. Affected: yes. Not counted in ClinVar's aggregate classification.

Literature cited by the submitters: PubMed 27194970 (cited by Medical Genetics Laboratory, Etlik City Hospital).